The following is an entry in ClinVar:

ClinVar aggregate classification (germline): Uncertain significance (1 of 4 stars; one submission).

Allele frequency attached by ClinVar (database versions not stated): ExAC 0.00001; gnomAD 0.00001; 1000 Genomes Project 30x 0.00016; 1000 Genomes Project 0.00020.
gnomAD v4.1: 4 of 1,609,460 alleles (0.00025%); highest among the groups gnomAD compares: Admixed American, 0.0034%; no homozygotes.

Submission:

Labcorp Genetics (formerly Invitae), Labcorp
Classification: Uncertain significance. Last evaluated: 2022-09-01. Review status: criteria provided, single submitter. Criteria: Invitae Variant Classification Sherloc (09022015). Collection method: clinical testing. Allele origin: germline.
Comment: This sequence change affects codon 177 of the MCM4 mRNA. It is a 'silent' change, meaning that it does not change the encoded amino acid sequence of the MCM4 protein. In summary, the available evidence is currently insufficient to determine the role of this variant in disease. Therefore, it has been classified as a Variant of Uncertain Significance. Algorithms developed to predict the effect of sequence changes on RNA splicing suggest that this variant may create or strengthen a splice site. This variant has not been reported in the literature in individuals affected with MCM4-related conditions. This variant is present in population databases (rs569515414, gnomAD 0.003%).

NM_182746.3(MCM4):c.531G>A (p.Leu177=)

Gene: MCM4 (minichromosome maintenance complex component 4; plus strand). Cytogenetic location: 8q11.21.
Variant type: single nucleotide variant.
Coding change: c.531G>A on transcript NM_182746.3 (MANE Select); coding-DNA position 531, G replaced by A.
Protein change: p.Leu177=; no amino-acid change (leucine 177 retained).
Molecular consequence: synonymous variant.
Genome position (GRCh38, 1-based): chr8:47,962,793, G>A. VCF-style: chr8-47962793-G-A. GRCh37 (hg19) VCF-style: chr8-48875353-G-A.
Other names: c.531G>A, p.Leu177= (NM_005914.4).
Identifiers: ClinVar variation 1975863 (VCV001975863.5), dbSNP rs569515414, ClinGen allele CA4742334.